The following is an entry in ClinVar:

ClinVar aggregate classification (germline): Uncertain significance (1 of 4 stars; one submission).

Conditions:
Weaver syndrome (WVS). Also called: Weaver Smith syndrome; Overgrowth syndrome with accelerated skeletal maturation, unusual facies, and camptodactyly. Identifiers: Orphanet 3447, MedGen C0265210, MONDO:0010193, OMIM 277590.

Submission:

Labcorp Genetics (formerly Invitae), Labcorp
Classification: Uncertain significance for Weaver syndrome. Last evaluated: 2024-05-15. Review status: criteria provided, single submitter. Criteria: Invitae Variant Classification Sherloc (09022015). Collection method: clinical testing. Allele origin: germline.
Comment: This sequence change falls in intron 17 of the EZH2 gene. It does not directly change the encoded amino acid sequence of the EZH2 protein. It affects a nucleotide within the consensus splice site. This variant is present in population databases (rs746222595, gnomAD 0.0009%). This variant has not been reported in the literature in individuals affected with EZH2-related conditions. Variants that disrupt the consensus splice site are a relatively common cause of aberrant splicing (PMID: 17576681, 9536098). In summary, the available evidence is currently insufficient to determine the role of this variant in disease. Therefore, it has been classified as a Variant of Uncertain Significance.

Literature cited by the submitters: PubMed 17576681; PubMed 9536098.

NM_004456.5(EZH2):c.2029+3_2029+25del

Gene: EZH2 (enhancer of zeste 2 polycomb repressive complex 2 subunit; minus strand). Cytogenetic location: 7q36.1.
Variant type: Deletion.
Coding change: c.2029+3_2029+25del on transcript NM_004456.5 (MANE Select); bases 3 to 25 of the intron after coding-DNA position 2029, 23 bases deleted (ATGTTTCAGAGCTGGGAGGCAGT).
Molecular consequence: splice donor variant.
Genome position (GRCh38, 1-based): chr7:148,810,308-148,810,330, ACTGCCTCCCAGCTCTGAAACAT deleted on the plus strand (ATGTTTCAGAGCTGGGAGGCAGT on the coding strand, the reverse complement: EZH2 is on the minus strand); deleting any 23 consecutive bases within chr7:148,810,308-148,810,332 gives the same sequence; the c. name uses the placement nearest the transcript's 3' end. VCF-style (leftmost placement, unchanged base first): chr7-148810307-CACTGCCTCCCAGCTCTGAAACAT-C. GRCh37 (hg19) VCF-style: chr7-148507399-CACTGCCTCCCAGCTCTGAAACAT-C.
Other names: c.1987+3_1987+25del (NM_001203248.2); c.1897+3_1897+25del (NM_152998.3); c.2014+3_2014+25del (NM_001203247.2); c.1861+3_1861+25del (NM_001203249.2).
Identifiers: ClinVar variation 3019647 (VCV003019647.3), dbSNP rs746222595, ClinGen allele CA4547729.
Genomic context (GRCh38, chr7:148,810,307, plus strand): 5'-CTCTACCCTCGTTTCTGAACACTCGGCCGGCAGAAGGCTGCCACATGCAACTCAGGAACT[CACTGCCTCCCAGCTCTGAAACAT>C]ACCATTGTTCAAGTTGAACAGAAAGCTGCACATGTATTTATCATACACTTTCCCTCTTCT-3'